The following is an entry in ClinVar:

ClinVar aggregate classification (germline): Uncertain significance (1 of 4 stars; one submission).

Conditions:
Carnitine acylcarnitine translocase deficiency (CACTD). Identifiers: Orphanet 159, MedGen C0342791, MONDO:0008918, OMIM 212138.

Allele frequency attached by ClinVar (database versions not stated): gnomAD exomes below 0.00001.
gnomAD v4.1: 1 of 1,612,468 alleles (0.000062%); highest among the groups gnomAD compares: Non-Finnish European, 0.000085%; no homozygotes.

Submission:

Labcorp Genetics (formerly Invitae), Labcorp
Classification: Uncertain significance for Carnitine acylcarnitine translocase deficiency. Last evaluated: 2022-01-11. Review status: criteria provided, single submitter. Criteria: Invitae Variant Classification Sherloc (09022015). Collection method: clinical testing. Allele origin: germline.
Comment: This sequence change replaces proline, which is neutral and non-polar, with glutamine, which is neutral and polar, at codon 181 of the SLC25A20 protein (p.Pro181Gln). This variant is not present in population databases (gnomAD no frequency). This variant has not been reported in the literature in individuals affected with SLC25A20-related conditions. Algorithms developed to predict the effect of missense changes on protein structure and function are either unavailable or do not agree on the potential impact of this missense change (SIFT: "Deleterious"; PolyPhen-2: "Probably Damaging"; Align-GVGD: "Class C0"). In summary, the available evidence is currently insufficient to determine the role of this variant in disease. Therefore, it has been classified as a Variant of Uncertain Significance.

NM_000387.6(SLC25A20):c.542C>A (p.Pro181Gln)

Gene: SLC25A20 (solute carrier family 25 member 20; minus strand). Cytogenetic location: 3p21.31.
Variant type: single nucleotide variant.
Coding change: c.542C>A on transcript NM_000387.6 (MANE Select); coding-DNA position 542, C replaced by A.
Protein change: p.Pro181Gln; replaces proline 181 with glutamine.
Molecular consequence: missense variant.
Genome position (GRCh38, 1-based): chr3:48,859,621, G>T on the plus strand (C>A on the coding strand, the complement: SLC25A20 is on the minus strand). VCF-style: chr3-48859621-G-T. GRCh37 (hg19) VCF-style: chr3-48897054-G-T.
Other names: short protein forms P181Q.
Identifiers: ClinVar variation 1957033 (VCV001957033.2), dbSNP rs1319511874, ClinGen allele CA352627132.
Genomic context (GRCh38, chr3:48,859,621, plus strand): 5'-CCCTCCGGAGTGAAGATATTTTTCAGCCATTCATATGTCATGAAATACATTCCACTAGCT[G>T]GGACATCTGTTAGTGGCAAGAAAAAGGTGAATTAAAGTACATAAACTCTTCGCCAGGCAT-3'
Protein context (NP_000378.1, residues 171-191): GTVLTLMRDV[Pro181Gln]ASGMYFMTYE